The following is an entry in ClinVar:

NM_032380.5(GFM2):c.898A>T (p.Ser300Cys)

Gene: GFM2 (GTP dependent ribosome recycling factor mitochondrial 2; minus strand). Cytogenetic location: 5q13.3.
Variant type: single nucleotide variant.
Coding change: c.898A>T on transcript NM_032380.5 (MANE Select); coding-DNA position 898, A replaced by T.
Protein change: p.Ser300Cys; replaces serine 300 with cysteine.
Molecular consequence: missense variant. On other transcripts: non-coding transcript variant (1).
Genome position (GRCh38, 1-based): chr5:74,741,561, T>A on the plus strand (A>T on the coding strand, the complement: GFM2 is on the minus strand). VCF-style: chr5-74741561-T-A. GRCh37 (hg19) VCF-style: chr5-74037386-T-A.
Other names: p.S300C:AGT>TGT; c.994A>T, p.Ser332Cys (NM_001281302.2); c.898A>T, p.Ser300Cys (NM_170681.3, NM_170691.3); short protein forms S300C, S332C.
Identifiers: ClinVar variation 137472 (VCV000137472.13), dbSNP rs16872235, ClinGen allele CA291073.

ClinVar aggregate classification (germline): Benign. Review status: criteria provided, multiple submitters, no conflicts (2 of 4 stars). 5 submissions from 5 submitters: Benign (5). Last evaluated 2026-02-01.

Allele frequency attached by ClinVar (database versions not stated): 1000 Genomes Project 0.10843; gnomAD exomes 0.11205 and 0.11873; 1000 Genomes Project 30x 0.11243; ExAC 0.13181; gnomAD 0.13413 and 0.13722; TOPMed 0.13854; ESP Exome Variant Server 0.14265.
gnomAD v4.1: 190,398 of 1,580,296 alleles (12%); highest among the groups gnomAD compares: Middle Eastern, 21%; 12,408 homozygotes.

Submissions (5):

Labcorp Genetics (formerly Invitae), Labcorp
Classification: Benign. Last evaluated: 2026-02-01. Review status: criteria provided, single submitter. Criteria: Invitae Variant Classification Sherloc (09022015). Collection method: clinical testing. Allele origin: germline.

Blueprint Genetics
Classification: Benign. Last evaluated: 2024-11-26. Review status: criteria provided, single submitter. Criteria: ACMG Guidelines, 2015. Collection method: clinical testing. Allele origin: germline.

Mayo Clinic Laboratories, Mayo Clinic
Classification: Benign. Last evaluated: 2022-10-27. Review status: criteria provided, single submitter. Criteria: ACMG Guidelines, 2015. Collection method: clinical testing. Allele origin: germline. Observed: 65 variant alleles.

GeneDx
Classification: Benign. Last evaluated: 2013-09-17. Review status: criteria provided, single submitter. Criteria: GeneDx Variant Classification (06012015). Collection method: clinical testing. Allele origin: germline. Affected: yes.
Comment: This variant is considered likely benign or benign based on one or more of the following criteria: it is a conservative change, it occurs at a poorly conserved position in the protein, it is predicted to be benign by multiple in silico algorithms, and/or has population frequency not consistent with disease.

Breakthrough Genomics
Classification: Benign. Review status: criteria provided, single submitter. Criteria: ACMG Guidelines, 2015. Collection method: not provided. Allele origin: germline. Inheritance: Autosomal recessive inheritance. Affected: yes.